The following is an entry in ClinVar:

ClinVar aggregate classification (germline): Uncertain significance (1 of 4 stars; one submission).

Submission:

Labcorp Genetics (formerly Invitae), Labcorp
Classification: Uncertain significance. Last evaluated: 2022-03-13. Review status: criteria provided, single submitter. Criteria: Invitae Variant Classification Sherloc (09022015). Collection method: clinical testing. Allele origin: germline.
Comment: In summary, the available evidence is currently insufficient to determine the role of this variant in disease. Therefore, it has been classified as a Variant of Uncertain Significance. Algorithms developed to predict the effect of missense changes on protein structure and function are either unavailable or do not agree on the potential impact of this missense change (SIFT: "Tolerated"; PolyPhen-2: "Possibly Damaging"; Align-GVGD: "Class C0"). This variant has not been reported in the literature in individuals affected with CACNA1F-related conditions. This variant is not present in population databases (gnomAD no frequency). This sequence change replaces proline, which is neutral and non-polar, with leucine, which is neutral and non-polar, at codon 730 of the CACNA1F protein (p.Pro730Leu).

NM_001256789.3(CACNA1F):c.2156C>T (p.Pro719Leu)

Gene: CACNA1F (calcium voltage-gated channel subunit alpha1 F; minus strand). Cytogenetic location: Xp11.23.
Variant type: single nucleotide variant.
Coding change: c.2156C>T on transcript NM_001256789.3 (MANE Select); coding-DNA position 2156, C replaced by T.
Protein change: p.Pro719Leu; replaces proline 719 with leucine.
Molecular consequence: missense variant.
Genome position (GRCh38, 1-based): chrX:49,222,768, G>A on the plus strand (C>T on the coding strand, the complement: CACNA1F is on the minus strand). VCF-style: chrX-49222768-G-A. GRCh37 (hg19) VCF-style: chrX-49079227-G-A.
Other names: c.1994C>T, p.Pro665Leu (NM_001256790.3); c.2189C>T, p.Pro730Leu (NM_005183.4); short protein forms P665L, P719L, P730L.
Identifiers: ClinVar variation 2110562 (VCV002110562.4), dbSNP rs2520964370, ClinGen allele CA412910619.